The following is an entry in ClinVar:

NM_001290403.2(TAL1):c.795T>G (p.Gly265=)

Gene: TAL1 (TAL bHLH transcription factor 1, erythroid differentiation factor; minus strand). Cytogenetic location: 1p33.
Variant type: single nucleotide variant.
Coding change: c.795T>G on transcript NM_001290403.2 (MANE Select); coding-DNA position 795, T replaced by G.
Protein change: p.Gly265=; no amino-acid change (glycine 265 retained).
Molecular consequence: synonymous variant.
Genome position (GRCh38, 1-based): chr1:47,219,921, A>C on the plus strand (T>G on the coding strand, the complement: TAL1 is on the minus strand). VCF-style: chr1-47219921-A-C. GRCh37 (hg19) VCF-style: chr1-47685593-A-C.
Other names: c.795T>G, p.Gly265= (NM_001287347.2, NM_001290404.1, NM_001290405.1 and 1 more transcripts); c.318T>G, p.Gly106= (NM_001290406.2).
Identifiers: ClinVar variation 3033534 (VCV003033534.2), dbSNP rs745723143, ClinGen allele CA841750.

ClinVar aggregate classification (germline): Benign (0 of 4 stars; one submission).

Conditions:
TAL1-related disorder. Also called: TAL1-related condition.

Allele frequency attached by ClinVar (database versions not stated): ExAC 0.00084.

Submission:

PreventionGenetics, part of Exact Sciences
Classification: Benign for TAL1-related condition. Last evaluated: 2019-06-11. Review status: no assertion criteria provided. Collection method: clinical testing. Allele origin: germline.
Comment: This variant is classified as benign based on ACMG/AMP sequence variant interpretation guidelines (Richards et al. 2015 PMID: 25741868, with internal and published modifications).